The following is an entry in ClinVar:

ClinVar aggregate classification (germline): Likely pathogenic (1 of 4 stars; one submission).

Conditions:
Hereditary factor VIII deficiency disease (HEMA). Also called: HEMOPHILIA, CLASSIC; AUTOSOMAL HEMOPHILIA A; Hemophilia A; Hemophilia A, congenital; HEM A; Factor 8 deficiency, congenital. Identifiers: Orphanet 98878, MedGen C0019069, MONDO:0010602, OMIM 306700.

Submission:

Myriad Genetics, Inc.
Classification: Likely pathogenic for Hereditary factor VIII deficiency disease. Last evaluated: 2025-01-31. Review status: criteria provided, single submitter. Criteria: Myriad Autosomal Dominant, Autosomal Recessive and X-Linked Classification Criteria (2023). Collection method: clinical testing. Allele origin: unknown.
Comment: NM_000132.3(F8):c.2107A>G(N703D) is a missense variant classified as likely pathogenic in the context of hemophilia A. N703D has been observed in cases with relevant disease (PMID: 18691168, 33706050, 15996930). Relevant functional assessments of this variant are not available in the literature. N703D has not been observed in referenced population frequency databases. In summary, NM_000132.3(F8):c.2107A>G(N703D) is a missense variant that has been observed more frequently in cases with the relevant disease than in healthy populations. Please note: this variant was assessed in the context of healthy population screening.

Literature cited by the submitters: PubMed 15996930; PubMed 18691168; PubMed 33706050.

NM_000132.4(F8):c.2107A>G (p.Asn703Asp)

Gene: F8 (coagulation factor VIII; minus strand). Cytogenetic location: Xq28.
Variant type: single nucleotide variant.
Coding change: c.2107A>G on transcript NM_000132.4 (MANE Select); coding-DNA position 2107, A replaced by G.
Protein change: p.Asn703Asp; replaces asparagine 703 with aspartic acid.
Molecular consequence: missense variant.
Genome position (GRCh38, 1-based): chrX:154,947,704, T>C on the plus strand (A>G on the coding strand, the complement: F8 is on the minus strand). VCF-style: chrX-154947704-T-C. GRCh37 (hg19) VCF-style: chrX-154175979-T-C.
Other names: short protein forms N703D.
Identifiers: ClinVar variation 4081663 (VCV004081663.1).